The following is an entry in ClinVar:

NM_152564.5(VPS13B):c.3017C>A (p.Ala1006Glu)

Gene: VPS13B (vacuolar protein sorting 13 homolog B; plus strand). Cytogenetic location: 8q22.2.
Variant type: single nucleotide variant.
Coding change: c.3017C>A on transcript NM_152564.5 (MANE Select); coding-DNA position 3017, C replaced by A.
Protein change: p.Ala1006Glu; replaces alanine 1006 with glutamic acid.
Molecular consequence: missense variant.
Genome position (GRCh38, 1-based): chr8:99,391,639, C>A. VCF-style: chr8-99391639-C-A. GRCh37 (hg19) VCF-style: chr8-100403867-C-A.
Other names: c.3017C>A, p.Ala1006Glu (NM_017890.5); short protein forms A1006E.
Identifiers: ClinVar variation 2153509 (VCV002153509.4), dbSNP rs201566948, ClinGen allele CA182957439.
Genomic context (GRCh38, chr8:99,391,639, plus strand): 5'-TTGTTATGCCAGTTTGTAGAAGGAAAGAGGATGAGGTGTCTATTGGAAGTGCCCCCTTGG[C>A]AAAGCAGCAATCATATCAGGCCTCTGAATATGCCAGCAGCCCTGTAAAAACAAAAACGGT-3'
Protein context (NP_689777.3, residues 996-1016): DEVSIGSAPL[Ala1006Glu]KQQSYQASEY

ClinVar aggregate classification (germline): Uncertain significance (1 of 4 stars; one submission).

Conditions:
Cohen syndrome (COH1). Also called: PEPPER SYNDROME; Cutis verticis gyrata, retinitis pigmentosa, and sensorineural deafness. Identifiers: Orphanet 193, MedGen C0265223, MONDO:0008999, OMIM 216550.

Submission:

Labcorp Genetics (formerly Invitae), Labcorp
Classification: Uncertain significance for Cohen syndrome. Last evaluated: 2025-10-22. Review status: criteria provided, single submitter. Criteria: Invitae Variant Classification Sherloc (09022015). Collection method: clinical testing. Allele origin: germline.
Comment: This sequence change replaces alanine, which is neutral and non-polar, with glutamic acid, which is acidic and polar, at codon 1006 of the VPS13B protein (p.Ala1006Glu). This variant is not present in population databases (gnomAD no frequency). This variant has not been reported in the literature in individuals affected with VPS13B-related conditions. ClinVar contains an entry for this variant (Variation ID: 2153509). Invitae Evidence Modeling of protein sequence and biophysical properties (such as structural, functional, and spatial information, amino acid conservation, physicochemical variation, residue mobility, and thermodynamic stability) indicates that this missense variant is not expected to disrupt VPS13B protein function with a negative predictive value of 80%. In summary, the available evidence is currently insufficient to determine the role of this variant in disease. Therefore, it has been classified as a Variant of Uncertain Significance.